The following is an entry in ClinVar:

NM_001807.6(CEL):c.1998C>T (p.Gly666=)

Gene: CEL (carboxyl ester lipase; plus strand). Cytogenetic location: 9q34.13.
Variant type: single nucleotide variant.
Coding change: c.1998C>T on transcript NM_001807.6 (MANE Select); coding-DNA position 1998, C replaced by T.
Protein change: p.Gly666=; no amino-acid change (glycine 666 retained).
Molecular consequence: synonymous variant.
Genome position (GRCh38, 1-based): chr9:133,071,500, C>T. VCF-style: chr9-133071500-C-T. GRCh37 (hg19) VCF-style: chr9-135946887-C-T.
Identifiers: ClinVar variation 1335745 (VCV001335745.36), dbSNP rs35171271, ClinGen allele CA467814370.

ClinVar aggregate classification (germline): Likely benign. Review status: criteria provided, multiple submitters, no conflicts (2 of 4 stars). 2 submissions from 2 submitters: Likely benign (2). Last evaluated 2026-07-01.

Allele frequency attached by ClinVar (database versions not stated): gnomAD exomes 0.00020.

Submissions (2):

CeGaT Center for Human Genetics Tuebingen
Classification: Likely benign. Last evaluated: 2026-07-01. Review status: criteria provided, single submitter. Criteria: CeGaT Center For Human Genetics Tuebingen Variant Classification Criteria Version 2. Collection method: clinical testing. Allele origin: germline. Affected: yes. Observed: 2 variant alleles.
Comment: CEL: BP4, BP7

Breakthrough Genomics
Classification: Likely benign. Review status: criteria provided, single submitter. Criteria: ACMG Guidelines, 2015. Collection method: not provided. Allele origin: germline. Inheritance: Autosomal dominant inheritance. Affected: yes.